The following is an entry in ClinVar:

ClinVar aggregate classification (germline): Uncertain significance. Review status: criteria provided, multiple submitters, no conflicts (2 of 4 stars). 2 submissions from 2 submitters: Uncertain significance (2). Last evaluated 2025-09-25.

gnomAD v4.1: 1 of 1,596,148 alleles (0.000063%); highest among the groups gnomAD compares: South Asian, 0.0011%; no homozygotes.

Submissions (2):

Ambry Genetics
Classification: Uncertain significance. Last evaluated: 2025-09-25. Review status: criteria provided, single submitter. Criteria: Ambry Variant Classification Scheme 2023. Collection method: clinical testing. Allele origin: germline.

Labcorp Genetics (formerly Invitae), Labcorp
Classification: Uncertain significance. Last evaluated: 2024-11-16. Review status: criteria provided, single submitter. Criteria: Invitae Variant Classification Sherloc (09022015). Collection method: clinical testing. Allele origin: germline.
Comment: This sequence change replaces threonine, which is neutral and polar, with asparagine, which is neutral and polar, at codon 893 of the KANK1 protein (p.Thr893Asn). This variant is not present in population databases (gnomAD no frequency). This variant has not been reported in the literature in individuals affected with KANK1-related conditions. Invitae Evidence Modeling of protein sequence and biophysical properties (such as structural, functional, and spatial information, amino acid conservation, physicochemical variation, residue mobility, and thermodynamic stability) indicates that this missense variant is not expected to disrupt KANK1 protein function with a negative predictive value of 80%. In summary, the available evidence is currently insufficient to determine the role of this variant in disease. Therefore, it has been classified as a Variant of Uncertain Significance.

NM_015158.5(KANK1):c.2678C>A (p.Thr893Asn)

Gene: KANK1 (KN motif and ankyrin repeat domains 1; plus strand). Cytogenetic location: 9p24.3.
Variant type: single nucleotide variant.
Coding change: c.2678C>A on transcript NM_015158.5 (MANE Select); coding-DNA position 2678, C replaced by A.
Protein change: p.Thr893Asn; replaces threonine 893 with asparagine.
Molecular consequence: missense variant. On other transcripts: non-coding transcript variant (1).
Genome position (GRCh38, 1-based): chr9:713,444, C>A. VCF-style: chr9-713444-C-A. GRCh37 (hg19) VCF-style: chr9-713444-C-A.
Other names: c.2678C>A, p.Thr893Asn (NM_001256876.3, NM_001256877.3, NM_001354331.2 and 2 more transcripts); c.2204C>A, p.Thr735Asn (NM_001354333.2, NM_001354335.2, NM_001354336.2 and 9 more transcripts); c.2678C>A (NM_015158.2); short protein forms T893N, T735N.
Identifiers: ClinVar variation 3665323 (VCV003665323.3).
Genomic context (GRCh38, chr9:713,444, plus strand): 5'-TCAACTCTGTCATGAAATCTGCAAGCACTGAAGAGCTGAGGAACCCTGACTTCCAGAAAA[C>A]CAGTCTGGGTAAAATCACAGGTAGGTGGTACCCTGAGGACCTGGGAATGAGGAAGGATGG-3'
Protein context (NP_055973.2, residues 883-903): EELRNPDFQK[Thr893Asn]SLGKITGNYL